The following is an entry in ClinVar:

NM_001369268.1(ACAN):c.521C>T (p.Ala174Val)

Gene: ACAN (aggrecan; plus strand). Cytogenetic location: 15q26.1.
Variant type: single nucleotide variant.
Coding change: c.521C>T on transcript NM_001369268.1 (MANE Select); coding-DNA position 521, C replaced by T.
Protein change: p.Ala174Val; replaces alanine 174 with valine.
Molecular consequence: missense variant.
Genome position (GRCh38, 1-based): chr15:88,840,078, C>T. VCF-style: chr15-88840078-C-T. GRCh37 (hg19) VCF-style: chr15-89383309-C-T.
Other names: c.521C>T, p.Ala174Val (NM_001135.4, NM_001411096.1, NM_001411097.1 and 1 more transcripts); c.521C>T (NM_013227.3); short protein forms A174V.
Identifiers: ClinVar variation 3621841 (VCV003621841.3).
Genomic context (GRCh38, chr15:88,840,078, plus strand): 5'-TGTTCCATTACAGAGCCATCTCTACACGCTACACCCTCGACTTTGACAGGGCGCAGCGGG[C>T]CTGCCTGCAGAACAGTGCCATCATTGCCACGCCTGAGCAGCTGCAGGCCGCCTACGAAGA-3'
Protein context (NP_001356197.1, residues 164-184): YTLDFDRAQR[Ala174Val]CLQNSAIIAT

ClinVar aggregate classification (germline): Uncertain significance. Review status: criteria provided, multiple submitters, no conflicts (2 of 4 stars). 2 submissions from 2 submitters: Uncertain significance (2). Last evaluated 2025-01-15.

gnomAD v4.1: 8 of 1,603,094 alleles (0.0005%); highest among the groups gnomAD compares: Admixed American, 0.0034%; no homozygotes.

Submissions (2):

GeneDx
Classification: Uncertain significance. Last evaluated: 2025-01-15. Review status: criteria provided, single submitter. Criteria: GeneDx Variant Classification Process June 2021. Collection method: clinical testing. Allele origin: germline. Affected: yes.
Comment: In silico analysis supports that this missense variant has a deleterious effect on protein structure/function; Has not been previously published as pathogenic or benign to our knowledge

Labcorp Genetics (formerly Invitae), Labcorp
Classification: Uncertain significance. Last evaluated: 2025-01-02. Review status: criteria provided, single submitter. Criteria: Invitae Variant Classification Sherloc (09022015). Collection method: clinical testing. Allele origin: germline.
Comment: This sequence change replaces alanine, which is neutral and non-polar, with valine, which is neutral and non-polar, at codon 174 of the ACAN protein (p.Ala174Val). This variant is present in population databases (no rsID available, gnomAD 0.003%). This variant has not been reported in the literature in individuals affected with ACAN-related conditions. Invitae Evidence Modeling of protein sequence and biophysical properties (such as structural, functional, and spatial information, amino acid conservation, physicochemical variation, residue mobility, and thermodynamic stability) indicates that this missense variant is not expected to disrupt ACAN protein function with a negative predictive value of 80%. In summary, the available evidence is currently insufficient to determine the role of this variant in disease. Therefore, it has been classified as a Variant of Uncertain Significance.